The following is an entry in ClinVar:

NM_213595.4(ISCU):c.14G>C (p.Gly5Ala)

Gene: ISCU (iron-sulfur cluster assembly enzyme; plus strand). Cytogenetic location: 12q23.3.
Variant type: single nucleotide variant.
Coding change: c.14G>C on transcript NM_213595.4 (MANE Select); coding-DNA position 14, G replaced by C.
Protein change: p.Gly5Ala; replaces glycine 5 with alanine.
Molecular consequence: missense variant. On other transcripts: 5 prime UTR variant (1), non-coding transcript variant (1).
Genome position (GRCh38, 1-based): chr12:108,562,636, G>C. VCF-style: chr12-108562636-G-C. GRCh37 (hg19) VCF-style: chr12-108956412-G-C.
Other names: c.14G>C, p.Gly5Ala (NM_001301140.1, NM_001301141.1, NM_001320042.1); c.-158G>C (NM_014301.4); short protein forms G5A.
Identifiers: ClinVar variation 2184980 (VCV002184980.1), dbSNP rs587780954, ClinGen allele CA6768674.

ClinVar aggregate classification (germline): Uncertain significance (1 of 4 stars; one submission).

Allele frequency attached by ClinVar (database versions not stated): gnomAD 0.00003; TOPMed 0.00003; ExAC 0.00010.
gnomAD v4.1: 26 of 1,479,540 alleles (0.0018%); highest among the groups gnomAD compares: African/African-American, 0.0073%; no homozygotes.

Submission:

Labcorp Genetics (formerly Invitae), Labcorp
Classification: Uncertain significance. Last evaluated: 2022-08-14. Review status: criteria provided, single submitter. Criteria: Invitae Variant Classification Sherloc (09022015). Collection method: clinical testing. Allele origin: germline.
Comment: This sequence change replaces glycine, which is neutral and non-polar, with alanine, which is neutral and non-polar, at codon 5 of the ISCU protein (p.Gly5Ala). This variant is present in population databases (rs587780954, gnomAD 0.002%). This variant has not been reported in the literature in individuals affected with ISCU-related conditions. Algorithms developed to predict the effect of missense changes on protein structure and function are either unavailable or do not agree on the potential impact of this missense change (SIFT: "Tolerated"; PolyPhen-2: "Not Available"; Align-GVGD: "Class C0"). In summary, the available evidence is currently insufficient to determine the role of this variant in disease. Therefore, it has been classified as a Variant of Uncertain Significance.